The following is an entry in ClinVar:

ClinVar aggregate classification (germline): Pathogenic (1 of 4 stars; one submission).

Submission:

Labcorp Genetics (formerly Invitae), Labcorp
Classification: Pathogenic. Last evaluated: 2023-04-13. Review status: criteria provided, single submitter. Criteria: Invitae Variant Classification Sherloc (09022015). Collection method: clinical testing. Allele origin: unknown.
Comment: For these reasons, this variant has been classified as Pathogenic. This variant disrupts a region of the TFAP2A protein in which other variant(s) (p.Val393Gly) have been determined to be pathogenic (PMID: 31974414). This suggests that this is a clinically significant region of the protein, and that variants that disrupt it are likely to be disease-causing. This variant has not been reported in the literature in individuals affected with TFAP2A-related conditions. This variant is a gross deletion of the genomic region encompassing exon(s) 7 of the TFAP2A gene, which includes the termination codon. This deletion extends beyond the assayed region for this gene and therefore may encompass additional genes. While this deletion is not anticipated to lead to nonsense mediated decay, it is expected to alter mRNA translation or result in a truncated protein product.

Literature cited by the submitters: PubMed 31974414.

NC_000006.11:g.(?_10212581)_(10400010_?)del

Gene: TFAP2A (transcription factor AP-2 alpha; minus strand). Cytogenetic location: 6p24.3.
Variant type: Deletion.
Identifiers: ClinVar variation 3246167 (VCV003246167.1).